The following is an entry in ClinVar:

ClinVar aggregate classification (germline): Uncertain significance (1 of 4 stars; one submission).

Submission:

Labcorp Genetics (formerly Invitae), Labcorp
Classification: Uncertain significance. Last evaluated: 2025-12-27. Review status: criteria provided, single submitter. Criteria: Invitae Variant Classification Sherloc (09022015). Collection method: clinical testing. Allele origin: germline.
Comment: This sequence change replaces leucine, which is neutral and non-polar, with phenylalanine, which is neutral and non-polar, at codon 471 of the LRRC8A protein (p.Leu471Phe). This variant is not present in population databases (gnomAD no frequency). This variant has not been reported in the literature in individuals affected with LRRC8A-related conditions. An algorithm developed to predict the effect of missense changes on protein structure and function (PolyPhen-2) suggests that this variant is likely to be disruptive. In summary, the available evidence is currently insufficient to determine the role of this variant in disease. Therefore, it has been classified as a Variant of Uncertain Significance.

NM_019594.4(LRRC8A):c.1411C>T (p.Leu471Phe)

Gene: LRRC8A (leucine rich repeat containing 8 VRAC subunit A; plus strand). Cytogenetic location: 9q34.11.
Variant type: single nucleotide variant.
Coding change: c.1411C>T on transcript NM_019594.4 (MANE Select); coding-DNA position 1411, C replaced by T.
Protein change: p.Leu471Phe; replaces leucine 471 with phenylalanine.
Molecular consequence: missense variant.
Genome position (GRCh38, 1-based): chr9:128,908,575, C>T. VCF-style: chr9-128908575-C-T. GRCh37 (hg19) VCF-style: chr9-131670854-C-T.
Other names: c.1411C>T, p.Leu471Phe (NM_001127244.2, NM_001127245.2); short protein forms L471F.
Identifiers: ClinVar variation 4711000 (VCV004711000.1).